The following is an entry in ClinVar:

ClinVar aggregate classification (germline): Benign. Review status: criteria provided, multiple submitters, no conflicts (2 of 4 stars). 2 submissions from 2 submitters: Benign (2). Last evaluated 2018-06-16.

Allele frequency attached by ClinVar (database versions not stated): 1000 Genomes Project 0.05132; 1000 Genomes Project 30x 0.05231; TOPMed 0.06447; gnomAD 0.07067 and 0.07191.

Submissions (2):

GeneDx
Classification: Benign. Last evaluated: 2018-06-16. Review status: criteria provided, single submitter. Criteria: GeneDx Variant Classification (06012015). Collection method: clinical testing. Allele origin: germline. Affected: yes.
Comment: This variant is considered likely benign or benign based on one or more of the following criteria: it is a conservative change, it occurs at a poorly conserved position in the protein, it is predicted to be benign by multiple in silico algorithms, and/or has population frequency not consistent with disease.

Breakthrough Genomics
Classification: Benign. Review status: criteria provided, single submitter. Criteria: ACMG Guidelines, 2015. Collection method: not provided. Allele origin: germline. Inheritance: Autosomal dominant inheritance. Affected: yes.

NM_001376256.1(CRYM):c.490-86C>T

Gene: CRYM (crystallin mu; minus strand). Cytogenetic location: 16p12.2.
Variant type: single nucleotide variant.
Coding change: c.490-86C>T on transcript NM_001376256.1 (MANE Select); 86 bases into the intron before coding-DNA position 490, C replaced by T.
Molecular consequence: intron variant.
Genome position (GRCh38, 1-based): chr16:21,267,823, G>A on the plus strand (C>T on the coding strand, the complement: CRYM is on the minus strand). VCF-style: chr16-21267823-G-A. GRCh37 (hg19) VCF-style: chr16-21279144-G-A.
Other names: c.490-86C>T (NM_001888.5).
Identifiers: ClinVar variation 682991 (VCV000682991.2), dbSNP rs78459225, ClinGen allele CA14263416.